The following is an entry in ClinVar:

ClinVar aggregate classification (germline): Uncertain significance. Review status: criteria provided, multiple submitters, no conflicts (2 of 4 stars). 2 submissions from 2 submitters: Uncertain significance (2). Last evaluated 2024-04-08.

Conditions:
Cardiovascular phenotype. Identifiers: MedGen CN230736.
Hereditary cancer-predisposing syndrome. Also called: Neoplastic Syndromes, Hereditary; Tumor predisposition; Hereditary neoplastic syndrome; Hereditary Cancer Syndrome. Identifiers: Orphanet 140162, MedGen C0027672, MeSH D009386, MONDO:0015356.
Neurofibromatosis, type 1 (NF1). Also called: NEUROFIBROMATOSIS, TYPE I, SOMATIC; Neurofibromatosis, type I; VON RECKLINGHAUSEN DISEASE; Peripheral type neurofibromatosis. Identifiers: Orphanet 636, MedGen C0027831, MONDO:0018975, OMIM 162200. Disease mechanism: loss of function.

Submissions (2):

Labcorp Genetics (formerly Invitae), Labcorp
Classification: Uncertain significance for Neurofibromatosis, type 1. Last evaluated: 2024-04-08. Review status: criteria provided, single submitter. Criteria: Invitae Variant Classification Sherloc (09022015). Collection method: clinical testing. Allele origin: germline.
Comment: This sequence change replaces serine, which is neutral and polar, with isoleucine, which is neutral and non-polar, at codon 1352 of the NF1 protein (p.Ser1352Ile). This variant is not present in population databases (gnomAD no frequency). This variant has not been reported in the literature in individuals affected with NF1-related conditions. ClinVar contains an entry for this variant (Variation ID: 1493124). Advanced modeling of protein sequence and biophysical properties (such as structural, functional, and spatial information, amino acid conservation, physicochemical variation, residue mobility, and thermodynamic stability) performed at Invitae indicates that this missense variant is expected to disrupt NF1 protein function with a positive predictive value of 95%. In summary, the available evidence is currently insufficient to determine the role of this variant in disease. Therefore, it has been classified as a Variant of Uncertain Significance.

Ambry Genetics
Classification: Uncertain significance for Cardiovascular phenotype; Hereditary cancer-predisposing syndrome. Last evaluated: 2023-11-16. Review status: criteria provided, single submitter. Criteria: Ambry Variant Classification Scheme 2023. Collection method: clinical testing. Allele origin: germline.
Comment: The p.S1352I variant (also known as c.4055G>T), located in coding exon 30 of the NF1 gene, results from a G to T substitution at nucleotide position 4055. The serine at codon 1352 is replaced by isoleucine, an amino acid with dissimilar properties. This amino acid position is not well conserved in available vertebrate species. In addition, the in silico prediction for this alteration is inconclusive. Since supporting evidence is limited at this time, the clinical significance of this alteration remains unclear.

NM_001042492.3(NF1):c.4055G>T (p.Ser1352Ile)

Gene: NF1 (neurofibromin 1; plus strand). Cytogenetic location: 17q11.2.
Variant type: single nucleotide variant.
Coding change: c.4055G>T on transcript NM_001042492.3 (MANE Select); coding-DNA position 4055, G replaced by T.
Protein change: p.Ser1352Ile; replaces serine 1352 with isoleucine.
Molecular consequence: missense variant.
Genome position (GRCh38, 1-based): chr17:31,249,064, G>T. VCF-style: chr17-31249064-G-T. GRCh37 (hg19) VCF-style: chr17-29576082-G-T.
Other names: c.4055G>T, p.Ser1352Ile (NM_000267.4); short protein forms S1352I.
Identifiers: ClinVar variation 1493124 (VCV001493124.7), dbSNP rs876660908, ClinGen allele CA398994988.